The following is an entry in ClinVar:

NM_016247.4(IMPG2):c.3335T>C (p.Leu1112Pro)

Gene: IMPG2 (interphotoreceptor matrix proteoglycan 2; minus strand). Cytogenetic location: 3q12.3.
Variant type: single nucleotide variant.
Coding change: c.3335T>C on transcript NM_016247.4 (MANE Select); coding-DNA position 3335, T replaced by C.
Protein change: p.Leu1112Pro; replaces leucine 1112 with proline.
Molecular consequence: missense variant.
Genome position (GRCh38, 1-based): chr3:101,231,044, A>G on the plus strand (T>C on the coding strand, the complement: IMPG2 is on the minus strand). VCF-style: chr3-101231044-A-G. GRCh37 (hg19) VCF-style: chr3-100949888-A-G.
Other names: c.3335T>C (NM_016247.3); short protein forms L1112P.
Identifiers: ClinVar variation 1509881 (VCV001509881.9), dbSNP rs1257918818, ClinGen allele CA353848589.

ClinVar aggregate classification (germline): Uncertain significance. Review status: criteria provided, multiple submitters, no conflicts (2 of 4 stars). 2 submissions from 2 submitters: Uncertain significance (2). Last evaluated 2025-05-05.

Conditions:
Inborn genetic diseases. Identifiers: MedGen C0950123, MeSH D030342.

Allele frequency attached by ClinVar (database versions not stated): gnomAD exomes below 0.00001.
gnomAD v4.1: 6 of 1,614,184 alleles (0.00037%); highest among the groups gnomAD compares: Non-Finnish European, 0.00051%; no homozygotes.

Submissions (2):

Ambry Genetics
Classification: Uncertain significance for Inborn genetic diseases. Last evaluated: 2025-05-05. Review status: criteria provided, single submitter. Criteria: Ambry Variant Classification Scheme 2023. Collection method: clinical testing. Allele origin: germline.

Labcorp Genetics (formerly Invitae), Labcorp
Classification: Uncertain significance. Last evaluated: 2022-01-13. Review status: criteria provided, single submitter. Criteria: Invitae Variant Classification Sherloc (09022015). Collection method: clinical testing. Allele origin: germline.
Comment: This sequence change replaces leucine, which is neutral and non-polar, with proline, which is neutral and non-polar, at codon 1112 of the IMPG2 protein (p.Leu1112Pro). This variant is present in population databases (no rsID available, gnomAD 0.0009%). In summary, the available evidence is currently insufficient to determine the role of this variant in disease. Therefore, it has been classified as a Variant of Uncertain Significance. Algorithms developed to predict the effect of missense changes on protein structure and function (SIFT, PolyPhen-2, Align-GVGD) all suggest that this variant is likely to be disruptive. This variant has not been reported in the literature in individuals affected with IMPG2-related conditions.